The following is an entry in ClinVar:

ClinVar aggregate classification (germline): Likely benign (1 of 4 stars; one submission).

Allele frequency attached by ClinVar (database versions not stated): gnomAD exomes below 0.00001.
gnomAD v4.1: 3 of 1,206,979 alleles (0.00025%); highest among the groups gnomAD compares: Middle Eastern, 0.046%; no homozygotes.

Submission:

CeGaT Center for Human Genetics Tuebingen
Classification: Likely benign. Last evaluated: 2023-03-01. Review status: criteria provided, single submitter. Criteria: CeGaT Center For Human Genetics Tuebingen Variant Classification Criteria Version 2. Collection method: clinical testing. Allele origin: germline. Affected: yes. Observed: 1 variant allele.
Comment: MAGEH1: PM2:Supporting, BP4, BP7

NM_014061.5(MAGEH1):c.99C>T (p.Thr33=)

Gene: MAGEH1 (MAGE family member H1; plus strand). Cytogenetic location: Xp11.21.
Variant type: single nucleotide variant.
Coding change: c.99C>T on transcript NM_014061.5 (MANE Select); coding-DNA position 99, C replaced by T.
Protein change: p.Thr33=; no amino-acid change (threonine 33 retained).
Molecular consequence: synonymous variant.
Genome position (GRCh38, 1-based): chrX:55,452,473, C>T. VCF-style: chrX-55452473-C-T. GRCh37 (hg19) VCF-style: chrX-55478906-C-T.
Identifiers: ClinVar variation 2660695 (VCV002660695.24), dbSNP rs2031190639, ClinGen allele CA516603659.